The following is an entry in ClinVar:

ClinVar aggregate classification (germline): Conflicting classifications of pathogenicity. Review status: criteria provided, conflicting classifications (1 of 4 stars). 9 submissions from 9 submitters: Uncertain significance (6); Likely benign (1). 2 of the submissions do not count toward it. Last evaluated 2026-04-16.

Conditions:
Coenzyme Q10 deficiency, primary, 1. Also called: UBIQUINONE DEFICIENCY 1; COENZYME Q DEFICIENCY 1; CoQ DEFICIENCY 1. Identifiers: Orphanet 255249, MedGen C3551954, MONDO:0011829, OMIM 607426.
Multiple system atrophy 1, susceptibility to. Also called: MSA1, SUSCEPTIBILITY TO. Identifiers: MedGen C3714927, MONDO:0020715, OMIM 146500.
Mitochondrial disease. Also called: Mitochondrial disorder; Mitochondrial disorders. Identifiers: Orphanet 68380, MedGen C0751651, MeSH D028361, MONDO:0044970.
COQ2-related disorder. Also called: COQ2-related condition.

Allele frequency attached by ClinVar (database versions not stated): gnomAD exomes 0.00023 and 0.00042; gnomAD 0.00028 and 0.00029; TOPMed 0.00032.
gnomAD v4.1: 604 of 1,512,102 alleles (0.04%); highest among the groups gnomAD compares: Non-Finnish European, 0.05%; no homozygotes.

Submissions (9):

PreventionGenetics, part of Exact Sciences
Classification: Uncertain significance for COQ2-related condition. Last evaluated: 2026-04-16. Review status: criteria provided, single submitter. Criteria: ACMG Guidelines, 2015. Collection method: clinical testing. Allele origin: germline.
Comment: The COQ2 c.286C>T variant is predicted to result in the amino acid substitution p.Pro96Ser. This substitution was reported as a variant of uncertain significance in an individual with steroid resistant nephrotic syndrome (Suppl. Table 3, Sen et al. 2017. PubMed ID: 28780565). This variant is reported in 0.049% of alleles in individuals of European (Non-Finnish) descent in gnomAD. At this amino acid position in some species is a serine (Ser). Although we suspect that this variant could be benign, at this time, the clinical significance of this variant is uncertain due to the absence of conclusive functional and genetic evidence.

GeneDx
Classification: Uncertain significance. Last evaluated: 2025-09-03. Review status: criteria provided, single submitter. Criteria: GeneDx Variant Classification Process June 2021. Collection method: clinical testing. Allele origin: germline.
Comment: Identified in a patient with steroid-resistant nephrotic syndrome in the published literature (PMID: 28780565); In silico analysis suggests that this missense variant does not alter protein structure/function; This variant is associated with the following publications: (PMID: 28780565, 35861376)

Mayo Clinic Laboratories, Mayo Clinic
Classification: Uncertain significance. Last evaluated: 2025-08-19. Review status: criteria provided, single submitter. Criteria: ACMG Guidelines, 2015. Collection method: clinical testing. Allele origin: germline. Observed: 3 variant alleles.
Comment: BP4_moderate, PM2_supporting

Blueprint Genetics
Classification: Likely benign. Last evaluated: 2024-07-18. Review status: criteria provided, single submitter. Criteria: ACMG Guidelines, 2015. Collection method: clinical testing. Allele origin: germline.

Fulgent Genetics
Classification: Uncertain significance for Multiple system atrophy 1, susceptibility to; Coenzyme Q10 deficiency, primary, 1. Last evaluated: 2024-04-19. Review status: criteria provided, single submitter. Criteria: ACMG Guidelines, 2015. Collection method: clinical testing. Allele origin: germline.

Labcorp Genetics (formerly Invitae), Labcorp
Classification: Uncertain significance. Last evaluated: 2022-09-27. Review status: criteria provided, single submitter. Criteria: Invitae Variant Classification Sherloc (09022015). Collection method: clinical testing. Allele origin: germline.
Comment: This sequence change replaces proline, which is neutral and non-polar, with serine, which is neutral and polar, at codon 96 of the COQ2 protein (p.Pro96Ser). This variant is present in population databases (rs767013819, gnomAD 0.05%). This missense change has been observed in individual(s) with steroid-resistant nephrotic syndrome (PMID: 28780565). ClinVar contains an entry for this variant (Variation ID: 1285203). Algorithms developed to predict the effect of missense changes on protein structure and function output the following: SIFT: "Tolerated"; PolyPhen-2: "Benign"; Align-GVGD: "Class C0". The serine amino acid residue is found in multiple mammalian species, which suggests that this missense change does not adversely affect protein function. In summary, the available evidence is currently insufficient to determine the role of this variant in disease. Therefore, it has been classified as a Variant of Uncertain Significance.

Department of Pathology and Laboratory Medicine, Sinai Health System
Classification: Uncertain significance for mitochondrial disease. Last evaluated: 2022-08-24. Review status: criteria provided, single submitter. Criteria: ACMG Guidelines, 2015. Collection method: research. Allele origin: germline.

Clinical Genetics DNA and cytogenetics Diagnostics Lab, Erasmus MC, Erasmus Medical Center
Classification: Likely benign. Review status: no assertion criteria provided. Collection method: clinical testing. Allele origin: germline. Affected: yes. Study: VKGL Data-share Consensus. Not counted in ClinVar's aggregate classification.

Genome Diagnostics Laboratory, University Medical Center Utrecht
Classification: Benign. Review status: no assertion criteria provided. Collection method: clinical testing. Allele origin: germline. Affected: yes. Study: VKGL Data-share Consensus. Not counted in ClinVar's aggregate classification.

Literature cited by the submitters: PubMed 28780565 (cited by Mayo Clinic Laboratories, Mayo Clinic and Labcorp Genetics (formerly Invitae), Labcorp); PubMed 35861376 (cited by Mayo Clinic Laboratories, Mayo Clinic).

NM_001358921.2(COQ2):c.136C>T (p.Pro46Ser)

Genes: COQ2 (coenzyme Q2, polyprenyltransferase; minus strand), LOC112997540 (Sharpr-MPRA regulatory region 13773; plus strand). Cytogenetic location: 4q21.23.
Variant type: single nucleotide variant.
Coding change: c.136C>T on transcript NM_001358921.2 (MANE Select); coding-DNA position 136, C replaced by T.
Protein change: p.Pro46Ser; replaces proline 46 with serine.
Molecular consequence: missense variant.
Genome position (GRCh38, 1-based): chr4:83,284,629, G>A on the plus strand (C>T on the coding strand, the complement: COQ2 is on the minus strand). VCF-style: chr4-83284629-G-A. GRCh37 (hg19) VCF-style: chr4-84205782-G-A.
Other names: p.Pro96Ser; c.286C>T, p.Pro96Ser (NM_015697.9); c.286C>T (NM_015697.7); short protein forms P46S, P96S.
Identifiers: ClinVar variation 1285203 (VCV001285203.14), dbSNP rs767013819, ClinGen allele CA2988680.